The following is an entry in ClinVar:

NM_206538.4(EMC10):c.107C>G (p.Ala36Gly)

Genes: EMC10 (ER membrane protein complex subunit 10; plus strand), GARIN5A (golgi associated RAB2 interactor 5A; minus strand). Cytogenetic location: 19q13.33.
Variant type: single nucleotide variant.
Coding change: c.107C>G on transcript NM_206538.4 (MANE Select); coding-DNA position 107, C replaced by G.
Protein change: p.Ala36Gly; replaces alanine 36 with glycine.
Molecular consequence: missense variant. On other transcripts: 5 prime UTR variant (2).
Genome position (GRCh38, 1-based): chr19:50,476,651, C>G. VCF-style: chr19-50476651-C-G. GRCh37 (hg19) VCF-style: chr19-50979908-C-G.
Other names: c.-263G>C (NM_001308429.2, NM_138411.3); c.107C>G, p.Ala36Gly (NM_175063.6); short protein forms A36G.
Identifiers: ClinVar variation 3025286 (VCV003025286.22), dbSNP rs79269644, ClinGen allele CA9598897.

ClinVar aggregate classification (germline): Likely benign (1 of 4 stars; one submission).

Allele frequency attached by ClinVar (database versions not stated): ExAC 0.00170; 1000 Genomes Project 0.00180; 1000 Genomes Project 30x 0.00203; ESP Exome Variant Server 0.00237.
gnomAD v4.1: 838 of 1,528,610 alleles (0.055%); highest among the groups gnomAD compares: African/African-American, 1%; 7 homozygotes.

Submission:

CeGaT Center for Human Genetics Tuebingen
Classification: Likely benign. Last evaluated: 2026-08-01. Review status: criteria provided, single submitter. Criteria: CeGaT Center For Human Genetics Tuebingen Variant Classification Criteria Version 2. Collection method: clinical testing. Allele origin: germline. Affected: yes. Observed: 4 variant alleles.
Comment: EMC10: BS1